The following is an entry in ClinVar:

NM_001190274.2(FBXO11):c.66_74dup (p.Gln26_Pro27insGlnGlnGln)

Genes: FBXO11 (F-box protein 11; minus strand), LOC100506235 (uncharacterized LOC100506235; plus strand). Cytogenetic location: 2p16.3.
Variant type: Duplication.
Coding change: c.66_74dup on transcript NM_001190274.2 (MANE Select); coding-DNA positions 66 to 74, 9 bases duplicated (ACAGCAGCA; older notation c.66_74dupACAGCAGCA).
Protein change: p.Gln26_Pro27insGlnGlnGln.
Molecular consequence: non-coding transcript variant (on NR_187636.1).
Genome position (GRCh38, 1-based): chr2:47,905,647-47,905,655, TGCTGCTGT duplicated on the plus strand (ACAGCAGCA on the coding strand, the reverse complement: FBXO11 is on the minus strand); duplicating any 9 consecutive bases within chr2:47,905,647-47,905,661 gives the same sequence; the c. name uses the placement nearest the transcript's 3' end. VCF-style (leftmost placement, unchanged base first): chr2-47905646-C-CTGCTGCTGT. GRCh37 (hg19) VCF-style: chr2-48132785-C-CTGCTGCTGT.
Identifiers: ClinVar variation 3642358 (VCV003642358.2).

ClinVar aggregate classification (germline): Uncertain significance (1 of 4 stars; one submission).

Submission:

Labcorp Genetics (formerly Invitae), Labcorp
Classification: Uncertain significance. Last evaluated: 2024-02-21. Review status: criteria provided, single submitter. Criteria: Invitae Variant Classification Sherloc (09022015). Collection method: clinical testing. Allele origin: germline.
Comment: This variant, c.66_74dup, results in the insertion of 3 amino acid(s) of the FBXO11 protein (p.Gln24_Gln26dup), but otherwise preserves the integrity of the reading frame. This variant is not present in population databases (gnomAD no frequency). This variant has not been reported in the literature in individuals affected with FBXO11-related conditions. In summary, the available evidence is currently insufficient to determine the role of this variant in disease. Therefore, it has been classified as a Variant of Uncertain Significance.